The following is an entry in ClinVar:

NM_015346.4(ZFYVE26):c.1792del (p.Asp598fs)

Gene: ZFYVE26 (zinc finger FYVE-type containing 26; minus strand). Cytogenetic location: 14q24.1.
Variant type: Deletion.
Coding change: c.1792del on transcript NM_015346.4 (MANE Select); coding-DNA position 1792, one base deleted (G; older notation c.1792delG).
Protein change: p.Asp598fs; shifts the reading frame from aspartic acid 598.
Molecular consequence: frameshift variant.
Genome position (GRCh38, 1-based): chr14:67,798,470, C deleted on the plus strand (G on the coding strand, the reverse complement: ZFYVE26 is on the minus strand); the first of 2 consecutive C bases (chr14:67,798,470-67,798,471); deleting either gives the same sequence. VCF-style (leftmost placement, unchanged base first): chr14-67798469-TC-T. GRCh37 (hg19) VCF-style: chr14-68265186-TC-T.
Other names: short protein forms D598fs.
Identifiers: ClinVar variation 864082 (VCV000864082.8), dbSNP rs748149642, ClinGen allele CA7240445.

ClinVar aggregate classification (germline): Pathogenic. Review status: criteria provided, multiple submitters, no conflicts (2 of 4 stars). 2 submissions from 2 submitters: Pathogenic (2). Last evaluated 2024-02-01.

Conditions:
Hereditary spastic paraplegia 15 (SPG15). Also called: SPASTIC PARAPLEGIA 15, AUTOSOMAL RECESSIVE; KJELLIN SYNDROME; SPASTIC PARAPLEGIA AND RETINAL DEGENERATION. Identifiers: Orphanet 100996, MedGen C1849128, MONDO:0010044, OMIM 270700.
Spastic paraplegia. Identifiers: MedGen C0037772, HP:0001258.

Submissions (2):

Laboratory of Medical Genetics, National & Kapodistrian University of Athens
Classification: Pathogenic for Hereditary spastic paraplegia 15. Last evaluated: 2024-02-01. Review status: criteria provided, single submitter. Criteria: ACMG Guidelines, 2015. Collection method: curation. Allele origin: germline. Affected: no.

Labcorp Genetics (formerly Invitae), Labcorp
Classification: Pathogenic for Spastic paraplegia. Last evaluated: 2023-11-27. Review status: criteria provided, single submitter. Criteria: Invitae Variant Classification Sherloc (09022015). Collection method: clinical testing. Allele origin: germline.
Comment: This sequence change creates a premature translational stop signal (p.Asp598Thrfs*16) in the ZFYVE26 gene. It is expected to result in an absent or disrupted protein product. Loss-of-function variants in ZFYVE26 are known to be pathogenic (PMID: 18394578, 19805727). This variant is present in population databases (rs748149642, gnomAD 0.0009%). This premature translational stop signal has been observed in individual(s) with hereditary spastic paraplegia (PMID: 19084844). ClinVar contains an entry for this variant (Variation ID: 864082). For these reasons, this variant has been classified as Pathogenic.

Literature cited by the submitters: PubMed 18394578 (cited by Labcorp Genetics (formerly Invitae), Labcorp); PubMed 19805727 (cited by Labcorp Genetics (formerly Invitae), Labcorp); PubMed 19084844 (cited by Labcorp Genetics (formerly Invitae), Labcorp).